The following is an entry in ClinVar:

ClinVar aggregate classification (germline): Uncertain significance. Review status: criteria provided, multiple submitters, no conflicts (2 of 4 stars). 2 submissions from 2 submitters: Uncertain significance (2). Last evaluated 2023-06-26.

Conditions:
Arrhythmogenic right ventricular dysplasia 5. Also called: Arrhythmogenic Right Ventricular Dysplasia/Cardiomyopathy 5; ARRHYTHMOGENIC RIGHT VENTRICULAR DYSPLASIA, FAMILIAL, 5. Identifiers: MedGen C1858379, MONDO:0011459, OMIM 604400.

Submissions (2):

All of Us Research Program, National Institutes of Health
Classification: Uncertain significance for Arrhythmogenic right ventricular dysplasia 5. Last evaluated: 2023-06-26. Review status: criteria provided, single submitter. Criteria: ACMG Guidelines, 2015. Collection method: clinical testing. Allele origin: germline. Inheritance: Autosomal dominant inheritance. Observed: 1 variant allele, 1 heterozygote.
Comment: This missense variant replaces alanine with threonine at codon 383 of the TMEM43 protein. Computational prediction suggests that this variant may not impact protein structure and function (internally defined REVEL score threshold <= 0.5, PMID: 27666373). To our knowledge, functional studies have not been reported for this variant. This variant has not been reported in individuals affected with TMEM43-related disorders in the literature. This variant has not been identified in the general population by the Genome Aggregation Database (gnomAD). The available evidence is insufficient to determine the role of this variant in disease conclusively. Therefore, this variant is classified as a Variant of Uncertain Significance.

This study involves interpretation of variants in research participants for the purpose of population health screening. Participant phenotype was not available at the time of variant classification. Additional details can be found in publication PMID: 35346344, PMCID: PMC8962531

Human Genome Sequencing Center Clinical Lab, Baylor College of Medicine
Classification: Uncertain significance for Arrhythmogenic right ventricular dysplasia, type 5. Review status: criteria provided, single submitter. Criteria: ACMG Guidelines, 2015. Collection method: clinical testing. Allele origin: germline.

NM_024334.3(TMEM43):c.1147G>A (p.Ala383Thr)

Gene: TMEM43 (transmembrane protein 43; plus strand). Cytogenetic location: 3p25.1.
Variant type: single nucleotide variant.
Coding change: c.1147G>A on transcript NM_024334.3 (MANE Select); coding-DNA position 1147, G replaced by A.
Protein change: p.Ala383Thr; replaces alanine 383 with threonine.
Molecular consequence: missense variant.
Genome position (GRCh38, 1-based): chr3:14,141,739, G>A. VCF-style: chr3-14141739-G-A. GRCh37 (hg19) VCF-style: chr3-14183239-G-A.
Other names: short protein forms A383T.
Identifiers: ClinVar variation 979098 (VCV000979098.4), dbSNP rs1695250482, ClinGen allele CA351536621.